The following is an entry in ClinVar:

ClinVar aggregate classification (germline): Uncertain significance. Review status: criteria provided, multiple submitters, no conflicts (2 of 4 stars). 2 submissions from 2 submitters: Uncertain significance (2). Last evaluated 2025-04-13.

Conditions:
Hereditary cancer-predisposing syndrome. Also called: Neoplastic Syndromes, Hereditary; Tumor predisposition; Hereditary neoplastic syndrome; Hereditary Cancer Syndrome. Identifiers: Orphanet 140162, MedGen C0027672, MeSH D009386, MONDO:0015356.
Multiple endocrine neoplasia, type 2 (MEN2). Identifiers: Orphanet 653, MedGen C4048306, MONDO:0019003. Disease mechanism: gain of function.

Submissions (2):

Labcorp Genetics (formerly Invitae), Labcorp
Classification: Uncertain significance for Multiple endocrine neoplasia, type 2. Last evaluated: 2025-04-13. Review status: criteria provided, single submitter. Criteria: Invitae Variant Classification Sherloc (09022015). Collection method: clinical testing. Allele origin: germline.
Comment: This sequence change replaces valine, which is neutral and non-polar, with leucine, which is neutral and non-polar, at codon 427 of the RET protein (p.Val427Leu). This variant is not present in population databases (gnomAD no frequency). This variant has not been reported in the literature in individuals affected with RET-related conditions. ClinVar contains an entry for this variant (Variation ID: 3313717). An algorithm developed to predict the effect of missense changes on protein structure and function (PolyPhen-2) suggests that this variant is likely to be tolerated. In summary, the available evidence is currently insufficient to determine the role of this variant in disease. Therefore, it has been classified as a Variant of Uncertain Significance.

Ambry Genetics
Classification: Uncertain significance for Hereditary cancer-predisposing syndrome. Last evaluated: 2024-04-24. Review status: criteria provided, single submitter. Criteria: Ambry Variant Classification Scheme 2023. Collection method: clinical testing. Allele origin: germline.
Comment: The p.V427L variant (also known as c.1279G>C), located in coding exon 7 of the RET gene, results from a G to C substitution at nucleotide position 1279. The valine at codon 427 is replaced by leucine, an amino acid with highly similar properties. This amino acid position is not well conserved in available vertebrate species. In addition, this alteration is predicted to be tolerated by in silico analysis. Based on the available evidence, the clinical significance of this variant remains unclear.

NM_020975.6(RET):c.1279G>C (p.Val427Leu)

Gene: RET (ret proto-oncogene; plus strand). Cytogenetic location: 10q11.21.
Variant type: single nucleotide variant.
Coding change: c.1279G>C on transcript NM_020975.6 (MANE Select); coding-DNA position 1279, G replaced by C.
Protein change: p.Val427Leu; replaces valine 427 with leucine.
Molecular consequence: missense variant. On other transcripts: intron variant (15).
Genome position (GRCh38, 1-based): chr10:43,111,222, G>C. VCF-style: chr10-43111222-G-C. GRCh37 (hg19) VCF-style: chr10-43606670-G-C.
Other names: c.517G>C, p.Val173Leu (NM_001355216.2); c.1279G>C, p.Val427Leu (NM_001406743.1, NM_001406744.1, NM_001406759.1 and 4 more transcripts); c.1150G>C, p.Val384Leu (NM_001406761.1, NM_001406762.1, NM_001406764.1 and 1 more transcripts); c.991G>C, p.Val331Leu (NM_001406766.1, NM_001406767.1, NM_001406770.1); c.883G>C, p.Val295Leu (NM_001406769.1, NM_001406772.1); c.841G>C, p.Val281Leu (NM_001406771.1, NM_001406773.1); c.754G>C, p.Val252Leu (NM_001406774.1); c.553G>C, p.Val185Leu (NM_001406775.1, NM_001406776.1, NM_001406777.1 and 1 more transcripts); and 5 more; short protein forms V384L, V97L, V185L, V252L, V331L, V427L, V173L, V281L.
Identifiers: ClinVar variation 3313717 (VCV003313717.2).